The following is an entry in ClinVar:

NM_020232.5(PSMG2):c.128A>C (p.Lys43Thr)

Gene: PSMG2 (proteasome assembly chaperone 2; plus strand). Cytogenetic location: 18p11.21.
Variant type: single nucleotide variant.
Coding change: c.128A>C on transcript NM_020232.5 (MANE Select); coding-DNA position 128, A replaced by C.
Protein change: p.Lys43Thr; replaces lysine 43 with threonine.
Molecular consequence: missense variant.
Genome position (GRCh38, 1-based): chr18:12,706,620, A>C. VCF-style: chr18-12706620-A-C. GRCh37 (hg19) VCF-style: chr18-12706619-A-C.
Other names: c.35A>C, p.Lys12Thr (NM_147163.2); short protein forms K12T, K43T.
Identifiers: ClinVar variation 2876590 (VCV002876590.3), dbSNP rs2510987306, ClinGen allele CA401964948.

ClinVar aggregate classification (germline): Uncertain significance (1 of 4 stars; one submission).

gnomAD v4.1: 1 of 1,614,176 alleles (0.000062%); highest among the groups gnomAD compares: Non-Finnish European, 0.000085%; no homozygotes.

Submission:

Labcorp Genetics (formerly Invitae), Labcorp
Classification: Uncertain significance. Last evaluated: 2024-03-11. Review status: criteria provided, single submitter. Criteria: Invitae Variant Classification Sherloc (09022015). Collection method: clinical testing. Allele origin: germline.
Comment: This sequence change replaces lysine, which is basic and polar, with threonine, which is neutral and polar, at codon 43 of the PSMG2 protein (p.Lys43Thr). This variant is not present in population databases (gnomAD no frequency). This variant has not been reported in the literature in individuals affected with PSMG2-related conditions. An algorithm developed to predict the effect of missense changes on protein structure and function (PolyPhen-2) suggests that this variant is likely to be disruptive. In summary, the available evidence is currently insufficient to determine the role of this variant in disease. Therefore, it has been classified as a Variant of Uncertain Significance.